The following is an entry in ClinVar:

NM_001211.6(BUB1B):c.23G>C (p.Gly8Ala)

Genes: BUB1B (BUB1 mitotic checkpoint serine/threonine kinase B; plus strand), LOC130056830 (ATAC-STARR-seq lymphoblastoid active region 9236; plus strand). Cytogenetic location: 15q15.1.
Variant type: single nucleotide variant.
Coding change: c.23G>C on transcript NM_001211.6 (MANE Select); coding-DNA position 23, G replaced by C.
Protein change: p.Gly8Ala; replaces glycine 8 with alanine.
Molecular consequence: missense variant.
Genome position (GRCh38, 1-based): chr15:40,161,243, G>C. VCF-style: chr15-40161243-G-C. GRCh37 (hg19) VCF-style: chr15-40453444-G-C.
Other names: short protein forms G8A.
Identifiers: ClinVar variation 1019330 (VCV001019330.10), dbSNP rs554782320, ClinGen allele CA7475315.

ClinVar aggregate classification (germline): Uncertain significance. Review status: criteria provided, multiple submitters, no conflicts (2 of 4 stars). 2 submissions from 2 submitters: Uncertain significance (2). Last evaluated 2024-04-22.

Conditions:
Inborn genetic diseases. Identifiers: MedGen C0950123, MeSH D030342.
Mosaic variegated aneuploidy syndrome 1 (MVA1). Also called: Warburton-Anyane-Yeboa syndrome. Identifiers: Orphanet 1052, MedGen C1850343, MONDO:0009759, OMIM 257300.

Allele frequency attached by ClinVar (database versions not stated): TOPMed below 0.00001; gnomAD 0.00001; 1000 Genomes Project 30x 0.00031; 1000 Genomes Project 0.00040.
gnomAD v4.1: 12 of 1,613,146 alleles (0.00074%); highest among the groups gnomAD compares: East Asian, 0.011%; no homozygotes.

Submissions (2):

Labcorp Genetics (formerly Invitae), Labcorp
Classification: Uncertain significance for Mosaic variegated aneuploidy syndrome 1. Last evaluated: 2024-04-22. Review status: criteria provided, single submitter. Criteria: Invitae Variant Classification Sherloc (09022015). Collection method: clinical testing. Allele origin: germline.
Comment: This sequence change replaces glycine, which is neutral and non-polar, with alanine, which is neutral and non-polar, at codon 8 of the BUB1B protein (p.Gly8Ala). This variant is present in population databases (rs554782320, gnomAD 0.02%). This variant has not been reported in the literature in individuals affected with BUB1B-related conditions. ClinVar contains an entry for this variant (Variation ID: 1019330). An algorithm developed to predict the effect of missense changes on protein structure and function (PolyPhen-2) suggests that this variant is likely to be tolerated. In summary, the available evidence is currently insufficient to determine the role of this variant in disease. Therefore, it has been classified as a Variant of Uncertain Significance.

Ambry Genetics
Classification: Uncertain significance for Inborn genetic diseases. Last evaluated: 2022-10-29. Review status: criteria provided, single submitter. Criteria: Ambry Variant Classification Scheme 2023. Collection method: clinical testing. Allele origin: germline.
Comment: The p.G8A variant (also known as c.23G>C), located in coding exon 1 of the BUB1B gene, results from a G to C substitution at nucleotide position 23. The glycine at codon 8 is replaced by alanine, an amino acid with similar properties. This amino acid position is conserved. In addition, this alteration is predicted to be tolerated by in silico analysis. Since supporting evidence is limited at this time, the clinical significance of this alteration remains unclear.